The following is an entry in ClinVar:

ClinVar aggregate classification (germline): Uncertain significance. Review status: criteria provided, multiple submitters, no conflicts (2 of 4 stars). 2 submissions from 2 submitters: Uncertain significance (2). Last evaluated 2025-01-06.

Allele frequency attached by ClinVar (database versions not stated): ExAC 0.00008.
gnomAD v4.1: 35 of 1,614,056 alleles (0.0022%); highest among the groups gnomAD compares: Admixed American, 0.052%; no homozygotes.

Submissions (2):

Labcorp Genetics (formerly Invitae), Labcorp
Classification: Uncertain significance. Last evaluated: 2025-01-06. Review status: criteria provided, single submitter. Criteria: Invitae Variant Classification Sherloc (09022015). Collection method: clinical testing. Allele origin: germline.
Comment: This sequence change replaces cysteine, which is neutral and slightly polar, with tryptophan, which is neutral and slightly polar, at codon 1337 of the KIAA0556 protein (p.Cys1337Trp). This variant is present in population databases (rs750590554, gnomAD 0.08%). This variant has not been reported in the literature in individuals affected with KIAA0556-related conditions. ClinVar contains an entry for this variant (Variation ID: 2175586). An algorithm developed to predict the effect of missense changes on protein structure and function (PolyPhen-2) suggests that this variant is likely to be disruptive. In summary, the available evidence is currently insufficient to determine the role of this variant in disease. Therefore, it has been classified as a Variant of Uncertain Significance.

Ambry Genetics
Classification: Uncertain significance. Last evaluated: 2024-11-09. Review status: criteria provided, single submitter. Criteria: Ambry Variant Classification Scheme 2023. Collection method: clinical testing. Allele origin: germline.

NM_015202.5(KATNIP):c.4011C>G (p.Cys1337Trp)

Genes: KATNIP (katanin interacting protein; plus strand), LOC126862323 (P300/CBP strongly-dependent group 1 enhancer GRCh37_chr16:27780758-27781957; plus strand). Cytogenetic location: 16p12.1.
Variant type: single nucleotide variant.
Coding change: c.4011C>G on transcript NM_015202.5 (MANE Select); coding-DNA position 4011, C replaced by G.
Protein change: p.Cys1337Trp; replaces cysteine 1337 with tryptophan.
Molecular consequence: missense variant.
Genome position (GRCh38, 1-based): chr16:27,769,896, C>G. VCF-style: chr16-27769896-C-G. GRCh37 (hg19) VCF-style: chr16-27781217-C-G.
Other names: c.4011C>G (NM_015202.2); short protein forms C1337W.
Identifiers: ClinVar variation 2175586 (VCV002175586.4), dbSNP rs750590554, ClinGen allele CA7978469.